The following is an entry in ClinVar:

NM_000264.5(PTCH1):c.3376G>A (p.Val1126Ile)

Gene: PTCH1 (patched 1; minus strand). Cytogenetic location: 9q22.32.
Variant type: single nucleotide variant.
Coding change: c.3376G>A on transcript NM_000264.5 (MANE Select); coding-DNA position 3376, G replaced by A.
Protein change: p.Val1126Ile; replaces valine 1126 with isoleucine.
Molecular consequence: missense variant. On other transcripts: non-coding transcript variant (1).
Genome position (GRCh38, 1-based): chr9:95,453,551, C>T on the plus strand (G>A on the coding strand, the complement: PTCH1 is on the minus strand). VCF-style: chr9-95453551-C-T. GRCh37 (hg19) VCF-style: chr9-98215833-C-T.
Other names: c.3178G>A, p.Val1060Ile (NM_001083602.3); c.3373G>A, p.Val1125Ile (NM_001083603.3); c.2923G>A, p.Val975Ile (NM_001083604.3, NM_001083605.3, NM_001083606.3 and 1 more transcripts); c.3220G>A, p.Val1074Ile (NM_001354918.2); c.3376G>A (NM_000264.4); short protein forms V1060I, V1126I, V975I, V1125I, V1074I.
Identifiers: ClinVar variation 135099 (VCV000135099.66), dbSNP rs147025073, ClinGen allele CA161694.

ClinVar aggregate classification (germline): Conflicting classifications of pathogenicity. Review status: criteria provided, conflicting classifications (1 of 4 stars). 12 submissions from 12 submitters: Uncertain significance (3); Benign (1); Likely benign (6). 2 of the submissions do not count toward it. Last evaluated 2026-01-28.

Conditions:
Hereditary cancer-predisposing syndrome. Also called: Tumor predisposition; Hereditary neoplastic syndrome; Hereditary Cancer Syndrome; Neoplastic Syndromes, Hereditary. Identifiers: Orphanet 140162, MedGen C0027672, MeSH D009386, MONDO:0015356.
Gorlin syndrome. Also called: Basal cell nevus syndrome; Nevoid Basal Cell Carcinoma Syndrome. Identifiers: Orphanet 377, MedGen C0004779, MONDO:0007187.
PTCH1-related disorder. Also called: PTCH1-related disorders; PTCH1-related condition.

Allele frequency attached by ClinVar (database versions not stated): TOPMed 0.00010; gnomAD 0.00012; ESP Exome Variant Server 0.00015; ExAC 0.00045; 1000 Genomes Project 30x 0.00016; gnomAD exomes 0.00016 and 0.00031; 1000 Genomes Project 0.00020.
gnomAD v4.1: 259 of 1,614,120 alleles (0.016%); highest among the groups gnomAD compares: Middle Eastern, 0.016%; no homozygotes.

Submissions (12):

Labcorp Genetics (formerly Invitae), Labcorp
Classification: Benign for Gorlin syndrome. Last evaluated: 2026-01-28. Review status: criteria provided, single submitter. Criteria: Invitae Variant Classification Sherloc (09022015). Collection method: clinical testing. Allele origin: germline.

Center for Genomic Medicine, Rigshospitalet, Copenhagen University Hospital
Classification: Uncertain significance. Last evaluated: 2025-12-29. Review status: criteria provided, single submitter. Criteria: ACMG Guidelines, 2015. Collection method: clinical testing. Allele origin: germline.

CeGaT Center for Human Genetics Tuebingen
Classification: Likely benign. Last evaluated: 2025-06-01. Review status: criteria provided, single submitter. Criteria: CeGaT Center For Human Genetics Tuebingen Variant Classification Criteria Version 2. Collection method: clinical testing. Allele origin: germline. Affected: yes. Observed: 2 variant alleles.
Comment: PTCH1: BS1

Blueprint Genetics
Classification: Likely benign. Last evaluated: 2024-11-14. Review status: criteria provided, single submitter. Criteria: ACMG Guidelines, 2015. Collection method: clinical testing. Allele origin: germline.

Quest Diagnostics Nichols Institute San Juan Capistrano
Classification: Likely benign. Last evaluated: 2022-09-02. Review status: criteria provided, single submitter. Criteria: Quest Diagnostics criteria. Collection method: clinical testing. Allele origin: unknown.

Institute for Clinical Genetics, University Hospital TU Dresden, University Hospital TU Dresden
Classification: Uncertain significance. Last evaluated: 2021-11-03. Review status: criteria provided, single submitter. Criteria: ACMG Guidelines, 2015. Collection method: clinical testing. Allele origin: germline.

Women's Health and Genetics/Laboratory Corporation of America, LabCorp
Classification: Likely benign. Last evaluated: 2021-10-11. Review status: criteria provided, single submitter. Criteria: LabCorp Variant Classification Summary - May 2015. Collection method: clinical testing. Allele origin: germline.
Comment: Variant summary: PTCH1 c.3376G>A (p.Val1126Ile) results in a conservative amino acid change in the encoded protein sequence. Three of five in-silico tools predict a damaging effect of the variant on protein function. The variant allele was found at a frequency of 0.00031 in 251250 control chromosomes, predominantly at a frequency of 0.00049 within the Non-Finnish European subpopulation in the gnomAD database, including 1 homozygotes. The observed variant frequency within Non-Finnish European control individuals in the gnomAD database is approximately 29 fold of the estimated maximal expected allele frequency for a pathogenic variant in PTCH1 causing Nevoid Basal Cell Carcinoma Syndrome (Gorlin Syndrome) phenotype (1.7e-05), strongly suggesting that the variant is a benign polymorphism found primarily in populations of Non-Finnish European origin. c.3376G>A has been reported in the literature in individuals affected Pancreatic ductal adenocarcinoma or Ovarian cancer (example, Lovecek_2019 and Li_2019). Co-occurrences with other pathogenic variant have been reported in at least one individual, providing supporting evidence for a benign role for this variant (Li_PTC1_PNAS_2019). To our knowledge, no experimental evidence demonstrating an impact on protein function has been reported. Three clinical diagnostic laboratories have submitted clinical-significance assessments for this variant to ClinVar after 2014 and have classified the variant as likely benign. Based on the evidence outlined above, the variant was classified as likely benign.

Sema4
Classification: Uncertain significance for Hereditary cancer-predisposing syndrome. Last evaluated: 2021-04-07. Review status: criteria provided, single submitter. Criteria: Sema4 Curation Guidelines. Collection method: curation. Allele origin: germline.
Comment: The PTCH1 c.3376G>A (p.V1126I) variant has been reported in heterozygosity in at least 1 individual with pancreatic cancer (PMID: 30666157), and at a total allele frequency of 0.07% in an ancestrally healthy control population (PMID: 24728327). This variant was observed in 89/282650 chromosomes, including one homozygote, in the large and broad cohorts of the Genome Aggregation Database. The variant has been reported in ClinVar (Variation ID: 135099). Functional studies have not been performed, and in silico predictions of the variant's effect on protein function are inconclusive. There is no indication that this variant causes disease, but the evidence is insufficient currently to prove that conclusively. The overall evidence is insufficient to meet ACMG/AMP criteria for classifying it as benign or pathogenic. In summary, the clinical significance of this variant is currently uncertain.

Ambry Genetics
Classification: Likely benign for Hereditary cancer-predisposing syndrome. Last evaluated: 2020-05-08. Review status: criteria provided, single submitter. Criteria: Ambry Variant Classification Scheme 2023. Collection method: clinical testing. Allele origin: germline.

GeneDx
Classification: Likely benign. Last evaluated: 2019-03-22. Review status: criteria provided, single submitter. Criteria: GeneDx Variant Classification Process June 2021. Collection method: clinical testing. Allele origin: germline. Affected: yes.
Comment: See Variant Classification Assertion Criteria.

PreventionGenetics, part of Exact Sciences
Classification: Likely benign for PTCH1-related condition. Last evaluated: 2022-03-10. Review status: no assertion criteria provided. Collection method: clinical testing. Allele origin: germline. Not counted in ClinVar's aggregate classification.
Comment: This variant is classified as likely benign based on ACMG/AMP sequence variant interpretation guidelines (Richards et al. 2015 PMID: 25741868, with internal and published modifications).

ITMI
No classification provided. Condition: AllHighlyPenetrant. Last evaluated: 2013-09-19. Review status: no classification provided. Collection method: reference population. Allele origin: germline. Not counted in ClinVar's aggregate classification.
Comment: Please see associated publication for description of ethnicities

Literature cited by the submitters: PubMed 30584090 (cited by Quest Diagnostics Nichols Institute San Juan Capistrano and Women's Health and Genetics/Laboratory Corporation of America, LabCorp); PubMed 30666157 (cited by 3 submitters); PubMed 24728327 (cited by 5 submitters); PubMed 31437519 (cited by Quest Diagnostics Nichols Institute San Juan Capistrano and Women's Health and Genetics/Laboratory Corporation of America, LabCorp).